The following is an entry in ClinVar:

NM_006180.6(NTRK2):c.2493G>C (p.Pro831=)

Gene: NTRK2 (neurotrophic receptor tyrosine kinase 2; plus strand). Cytogenetic location: 9q21.33.
Variant type: single nucleotide variant.
Coding change: c.2493G>C on transcript NM_006180.6 (MANE Select); coding-DNA position 2493, G replaced by C.
Protein change: p.Pro831=; no amino-acid change (proline 831 retained).
Molecular consequence: synonymous variant.
Genome position (GRCh38, 1-based): chr9:85,021,413, G>C. VCF-style: chr9-85021413-G-C. GRCh37 (hg19) VCF-style: chr9-87636328-G-C.
Other names: c.2445G>C, p.Pro815= (NM_001018064.3, NM_001369532.1, NM_001369533.1); c.2409G>C, p.Pro803= (NM_001369534.1); c.1977G>C, p.Pro659= (NM_001369535.1); c.2025G>C, p.Pro675= (NM_001369536.1).
Identifiers: ClinVar variation 793445 (VCV000793445.12), dbSNP rs75066745, ClinGen allele CA5106002.

ClinVar aggregate classification (germline): Likely benign. Review status: criteria provided, multiple submitters, no conflicts (2 of 4 stars). 3 submissions from 3 submitters: Likely benign (2). 1 of the submissions does not count toward it. Last evaluated 2026-01-26.

Conditions:
NTRK2-related disorder. Also called: NTRK2-related condition.

Allele frequency attached by ClinVar (database versions not stated): TOPMed 0.00004; gnomAD 0.00010; 1000 Genomes Project 30x 0.00047; 1000 Genomes Project 0.00060.
gnomAD v4.1: 46 of 1,614,106 alleles (0.0028%); highest among the groups gnomAD compares: East Asian, 0.096%; no homozygotes.

Submissions (3):

Labcorp Genetics (formerly Invitae), Labcorp
Classification: Likely benign. Last evaluated: 2026-01-26. Review status: criteria provided, single submitter. Criteria: Invitae Variant Classification Sherloc (09022015). Collection method: clinical testing. Allele origin: germline.

Blueprint Genetics
Classification: Likely benign. Last evaluated: 2023-12-15. Review status: criteria provided, single submitter. Criteria: ACMG Guidelines, 2015. Collection method: clinical testing. Allele origin: germline.

PreventionGenetics, part of Exact Sciences
Classification: Likely benign for NTRK2-related condition. Last evaluated: 2019-09-13. Review status: no assertion criteria provided. Collection method: clinical testing. Allele origin: germline. Not counted in ClinVar's aggregate classification.
Comment: This variant is classified as likely benign based on ACMG/AMP sequence variant interpretation guidelines (Richards et al. 2015 PMID: 25741868, with internal and published modifications).